The following is an entry in ClinVar:

ClinVar aggregate classification (germline): Pathogenic (1 of 4 stars; one submission).

Conditions:
Neurofibromatosis, type 1 (NF1). Also called: VON RECKLINGHAUSEN DISEASE; NEUROFIBROMATOSIS, TYPE I, SOMATIC; Peripheral type neurofibromatosis; Neurofibromatosis, type I. Identifiers: Orphanet 636, MedGen C0027831, MONDO:0018975, OMIM 162200. Disease mechanism: loss of function.

Submissions (2):

Labcorp Genetics (formerly Invitae), Labcorp
Classification: Pathogenic for Neurofibromatosis, type 1. Last evaluated: 2024-08-13. Review status: criteria provided, single submitter. Criteria: Invitae Variant Classification Sherloc (09022015). Collection method: clinical testing. Allele origin: germline.
Comment: This sequence change replaces arginine, which is basic and polar, with threonine, which is neutral and polar, at codon 997 of the NF1 protein (p.Arg997Thr). This variant also falls at the last nucleotide of exon 22, which is part of the consensus splice site for this exon. This variant is not present in population databases (gnomAD no frequency). This missense change has been observed in individual(s) with neurofibromatosis type 1 (PMID: 31730495; Invitae). ClinVar contains an entry for this variant (Variation ID: 568334). An algorithm developed to predict the effect of missense changes on protein structure and function (PolyPhen-2) suggests that this variant is likely to be disruptive. Variants that disrupt the consensus splice site are a relatively common cause of aberrant splicing (PMID: 17576681, 9536098). Algorithms developed to predict the effect of sequence changes on RNA splicing suggest that this variant may disrupt the consensus splice site. For these reasons, this variant has been classified as Pathogenic.

Dr. Peter K. Rogan Lab, Western University
No classification provided (evidence only). Condition: Pheochromocytoma/paraganglioma syndrome 1. Review status: no classification provided. Collection method: in vitro. Allele origin: not applicable. Functional consequence: retained intron. Not counted in ClinVar's aggregate classification.

Literature cited by the submitters: PubMed 31730495 (cited by Labcorp Genetics (formerly Invitae), Labcorp); PubMed 17576681 (cited by Labcorp Genetics (formerly Invitae), Labcorp); PubMed 9536098 (cited by Labcorp Genetics (formerly Invitae), Labcorp).

NM_001042492.3(NF1):c.2990G>C (p.Arg997Thr)

Gene: NF1 (neurofibromin 1; plus strand). Cytogenetic location: 17q11.2.
Variant type: single nucleotide variant.
Coding change: c.2990G>C on transcript NM_001042492.3 (MANE Select); coding-DNA position 2990, G replaced by C.
Protein change: p.Arg997Thr; replaces arginine 997 with threonine.
Molecular consequence: missense variant.
Genome position (GRCh38, 1-based): chr17:31,229,974, G>C. VCF-style: chr17-31229974-G-C. GRCh37 (hg19) VCF-style: chr17-29556992-G-C.
Other names: c.2990G>C, p.Arg997Thr (NM_000267.4); short protein forms R997T.
Identifiers: ClinVar variation 568334 (VCV000568334.6), dbSNP rs1555614462, ClinGen allele CA398986455.